The following is an entry in ClinVar:

ClinVar aggregate classification (germline): Likely benign (1 of 4 stars; one submission).

Allele frequency attached by ClinVar (database versions not stated): 1000 Genomes Project 30x 0.00078; 1000 Genomes Project 0.00080; ESP Exome Variant Server 0.00100.
gnomAD v4.1: 1,500 of 1,613,916 alleles (0.093%); highest among the groups gnomAD compares: Middle Eastern, 0.79%; 6 homozygotes.

Submission:

CeGaT Center for Human Genetics Tuebingen
Classification: Likely benign. Last evaluated: 2023-02-01. Review status: criteria provided, single submitter. Criteria: CeGaT Center For Human Genetics Tuebingen Variant Classification Criteria Version 2. Collection method: clinical testing. Allele origin: germline. Affected: yes. Observed: 1 variant allele.
Comment: SPAG5: BP4, BP7

NM_006461.4(SPAG5):c.765A>C (p.Ala255=)

Gene: SPAG5 (sperm associated antigen 5; minus strand). Cytogenetic location: 17q11.2.
Variant type: single nucleotide variant.
Coding change: c.765A>C on transcript NM_006461.4 (MANE Select); coding-DNA position 765, A replaced by C.
Protein change: p.Ala255=; no amino-acid change (alanine 255 retained).
Molecular consequence: synonymous variant.
Genome position (GRCh38, 1-based): chr17:28,592,479, T>G on the plus strand (A>C on the coding strand, the complement: SPAG5 is on the minus strand). VCF-style: chr17-28592479-T-G. GRCh37 (hg19) VCF-style: chr17-26919497-T-G.
Identifiers: ClinVar variation 2647588 (VCV002647588.24), dbSNP rs143102475, ClinGen allele CA8461569.